The following is an entry in ClinVar:

ClinVar aggregate classification (germline): Likely benign. Review status: criteria provided, single submitter (1 of 4 stars). 2 submissions from 2 submitters: Likely benign (1). 1 of the submissions does not count toward it. Last evaluated 2023-12-04.

Conditions:
SHROOM4-related disorder. Also called: SHROOM4-related condition.

Allele frequency attached by ClinVar (database versions not stated): gnomAD exomes 0.00004; TOPMed 0.00006; gnomAD 0.00010; ExAC 0.00018; 1000 Genomes Project 30x 0.00083; 1000 Genomes Project 0.00106.
gnomAD v4.1: 57 of 1,210,191 alleles (0.0047%); highest among the groups gnomAD compares: East Asian, 0.16%; no homozygotes.

Submissions (2):

Blueprint Genetics
Classification: Likely benign. Last evaluated: 2023-12-04. Review status: criteria provided, single submitter. Criteria: ACMG Guidelines, 2015. Collection method: clinical testing. Allele origin: germline.

PreventionGenetics, part of Exact Sciences
Classification: Likely benign for SHROOM4-related condition. Last evaluated: 2019-04-26. Review status: no assertion criteria provided. Collection method: clinical testing. Allele origin: germline. Not counted in ClinVar's aggregate classification.
Comment: This variant is classified as likely benign based on ACMG/AMP sequence variant interpretation guidelines (Richards et al. 2015 PMID: 25741868, with internal and published modifications).

NM_020717.5(SHROOM4):c.2173C>T (p.His725Tyr)

Gene: SHROOM4 (shroom family member 4; minus strand). Cytogenetic location: Xp11.22.
Variant type: single nucleotide variant.
Coding change: c.2173C>T on transcript NM_020717.5 (MANE Select); coding-DNA position 2173, C replaced by T.
Protein change: p.His725Tyr; replaces histidine 725 with tyrosine.
Molecular consequence: missense variant. On other transcripts: non-coding transcript variant (4).
Genome position (GRCh38, 1-based): chrX:50,633,900, G>A on the plus strand (C>T on the coding strand, the complement: SHROOM4 is on the minus strand). VCF-style: chrX-50633900-G-A. GRCh37 (hg19) VCF-style: chrX-50376900-G-A.
Other names: short protein forms H725Y.
Identifiers: ClinVar variation 3052406 (VCV003052406.3), dbSNP rs782582948, ClinGen allele CA10416153.
Genomic context (GRCh38, chrX:50,633,900, plus strand): 5'-GGCCTTCCATGGCTGCTGCCACAAGTGGCTGTGAATTATGCTCTGGAGACCATCTCCAAT[G>A]ACCTCCACGGACTCCACAGTGAGCATGTGCTTTCTCAGGGTCTGAGGAGGATGGGTCAGG-3'
Protein context (NP_065768.2, residues 715-735): AHAHCGVRGG[His725Tyr]WRWSPEHNSQ